The following is an entry in ClinVar:

NM_001353921.2(ARHGEF9):c.1321+1G>A

Gene: ARHGEF9 (Cdc42 guanine nucleotide exchange factor 9; minus strand). Cytogenetic location: Xq11.1.
Variant type: single nucleotide variant.
Coding change: c.1321+1G>A on transcript NM_001353921.2 (MANE Select); the canonical splice donor site of the intron after coding-DNA position 1321, G replaced by A.
Molecular consequence: splice donor variant. On other transcripts: intron variant (2).
Genome position (GRCh38, 1-based): chrX:63,655,493, C>T on the plus strand (G>A on the coding strand, the complement: ARHGEF9 is on the minus strand). VCF-style: chrX-63655493-C-T. GRCh37 (hg19) VCF-style: chrX-62875373-C-T.
Other names: NC_000023.10:g.62875373C>T; c.1141+1G>A (NM_001173479.2); c.1189+1G>A (NM_001353922.2); c.993+10393G>A (NM_001369043.1, NM_001369044.1); c.1237+1G>A (NM_001330495.2, NM_001369038.1, NM_001369037.1 and 4 more transcripts); c.1339+1G>A (NM_001353923.1); c.1105+1G>A (NM_001369041.1, NM_001353927.2); c.1120+1G>A (NM_001369040.1, NM_001369039.1, NM_001353926.2 and 1 more transcripts); and 4 more.
Identifiers: ClinVar variation 4494822 (VCV004494822.2).

ClinVar aggregate classification (germline): Pathogenic (1 of 4 stars; one submission).

Submissions (2):

GeneDx
Classification: Pathogenic. Last evaluated: 2025-08-14. Review status: criteria provided, single submitter. Criteria: GeneDx Variant Classification Process June 2021. Collection method: clinical testing. Allele origin: germline. Affected: yes.
Comment: Canonical splice site variant predicted to result in a null allele in a gene for which loss of function is a known mechanism of disease; Not observed at significant frequency in large population cohorts (gnomAD); Has not been previously published as pathogenic or benign to our knowledge

Dr. Peter K. Rogan Lab, Western University
No classification provided (evidence only). Condition: Thyroid cancer, nonmedullary, 1. Review status: no classification provided. Collection method: in vitro. Allele origin: not applicable. Functional consequence: skipped exon. Not counted in ClinVar's aggregate classification.